The following is an entry in ClinVar:

ClinVar aggregate classification (germline): Uncertain significance (1 of 4 stars; one submission).

Conditions:
Asphyxiating thoracic dystrophy 5 (SRTD5). Also called: SHORT-RIB THORACIC DYSPLASIA 5 WITH OR WITHOUT POLYDACTYLY; SHORT-RIB THORACIC DYSPLASIA 5 WITHOUT POLYDACTYLY. Identifiers: Orphanet 474, MedGen C3280598, MONDO:0013717, OMIM 614376.
Senior-Loken syndrome 8 (SLSN8). Identifiers: Orphanet 3156, MedGen C4225376, MONDO:0014579, OMIM 616307.

Allele frequency attached by ClinVar (database versions not stated): gnomAD exomes below 0.00001; ExAC 0.00002.
gnomAD v4.1: 1 of 1,598,500 alleles (0.000063%); highest among the groups gnomAD compares: South Asian, 0.0011%; no homozygotes.

Submission:

Labcorp Genetics (formerly Invitae), Labcorp
Classification: Uncertain significance for Senior-Loken syndrome 8; Asphyxiating thoracic dystrophy 5. Last evaluated: 2021-06-28. Review status: criteria provided, single submitter. Criteria: Invitae Variant Classification Sherloc (09022015). Collection method: clinical testing. Allele origin: germline.
Comment: In summary, the available evidence is currently insufficient to determine the role of this variant in disease. Therefore, it has been classified as a Variant of Uncertain Significance. Algorithms developed to predict the effect of missense changes on protein structure and function output the following: SIFT: "Tolerated"; PolyPhen-2: "Benign"; Align-GVGD: "Class C0". The isoleucine amino acid residue is found in multiple mammalian species, which suggests that this missense change does not adversely affect protein function. This variant has not been reported in the literature in individuals affected with WDR19-related conditions. This variant is present in population databases (rs760418892, ExAC 0.01%). This sequence change replaces valine with isoleucine at codon 448 of the WDR19 protein (p.Val448Ile). The valine residue is moderately conserved and there is a small physicochemical difference between valine and isoleucine.

NM_025132.4(WDR19):c.1342G>A (p.Val448Ile)

Gene: WDR19 (WD repeat domain 19; plus strand). Cytogenetic location: 4p14.
Variant type: single nucleotide variant.
Coding change: c.1342G>A on transcript NM_025132.4 (MANE Select); coding-DNA position 1342, G replaced by A.
Protein change: p.Val448Ile; replaces valine 448 with isoleucine.
Molecular consequence: missense variant.
Genome position (GRCh38, 1-based): chr4:39,217,226, G>A. VCF-style: chr4-39217226-G-A. GRCh37 (hg19) VCF-style: chr4-39218846-G-A.
Other names: c.862G>A, p.Val288Ile (NM_001317924.2); short protein forms V448I, V288I.
Identifiers: ClinVar variation 1399526 (VCV001399526.8), dbSNP rs760418892, ClinGen allele CA2891820.